The following is an entry in ClinVar:

NM_003043.6(SLC6A6):c.746C>T (p.Thr249Ile)

Gene: SLC6A6 (solute carrier family 6 member 6; plus strand). Cytogenetic location: 3p25.1.
Variant type: single nucleotide variant.
Coding change: c.746C>T on transcript NM_003043.6 (MANE Select); coding-DNA position 746, C replaced by T.
Protein change: p.Thr249Ile; replaces threonine 249 with isoleucine.
Molecular consequence: missense variant. On other transcripts: non-coding transcript variant (1).
Genome position (GRCh38, 1-based): chr3:14,466,529, C>T. VCF-style: chr3-14466529-C-T. GRCh37 (hg19) VCF-style: chr3-14508037-C-T.
Other names: NC_000003.11:g.14508037C>T; NP_003034.2:p.(Thr249Ile); c.1049C>T, p.Thr350Ile (NM_001134367.3); short protein forms T249I, T350I.
Identifiers: ClinVar variation 3381774 (VCV003381774.2).

ClinVar aggregate classification (germline): Pathogenic (1 of 4 stars; one submission).

Conditions:
Retinal dystrophy. Also called: Inherited retinal dystrophy. Identifiers: Orphanet 71862, MedGen C0854723, MeSH D058499, MONDO:0019118, HP:0000556.

Submission:

Ophthalmic Genetics Group, Institute of Molecular and Clinical Ophthalmology Basel
Classification: Pathogenic for Retinal dystrophy. Last evaluated: 2024-05-27. Review status: criteria provided, single submitter. Criteria: ACMG Guidelines, 2015. Collection method: research. Allele origin: germline. Affected: yes. Observed: 4 variant alleles.
Comment: This variant was classified as Pathogenic based on ACMG criteria: PS3_strong, PM2_sup, PP1_strong, PP2_sup and PP3_stong

Literature cited by the submitters: PubMed 40180963.